The following is an entry in ClinVar:

NM_005993.5(TBCD):c.2720C>T (p.Ala907Val)

Gene: TBCD (tubulin folding cofactor D). Cytogenetic location: 17q25.3.
Variant type: single nucleotide variant.
Coding change: c.2720C>T on transcript NM_005993.5 (MANE Select); coding-DNA position 2720, C replaced by T.
Protein change: p.Ala907Val; replaces alanine 907 with valine.
Molecular consequence: missense variant.
Genome position (GRCh38, 1-based): chr17:82,929,139, C>T. VCF-style: chr17-82929139-C-T. GRCh37 (hg19) VCF-style: chr17-80887015-C-T.
Other names: c.2669C>T, p.Ala890Val (NM_001411101.1); c.2639C>T, p.Ala880Val (NM_001411102.1); short protein forms A907V, A890V, A880V.
Identifiers: ClinVar variation 2380279 (VCV002380279.3), dbSNP rs199509385, ClinGen allele CA8863217.

ClinVar aggregate classification (germline): Uncertain significance. Review status: criteria provided, multiple submitters, no conflicts (2 of 4 stars). 2 submissions from 2 submitters: Uncertain significance (2). Last evaluated 2024-05-08.

Conditions:
Inborn genetic diseases. Identifiers: MedGen C0950123, MeSH D030342.

Allele frequency attached by ClinVar (database versions not stated): gnomAD 0.00001; TOPMed 0.00001; ExAC 0.00002; gnomAD exomes 0.00003; 1000 Genomes Project 30x 0.00016; 1000 Genomes Project 0.00020.
gnomAD v4.1: 47 of 1,612,534 alleles (0.0029%); highest among the groups gnomAD compares: Non-Finnish European, 0.0038%; no homozygotes.

Submissions (2):

Labcorp Genetics (formerly Invitae), Labcorp
Classification: Uncertain significance. Last evaluated: 2024-05-08. Review status: criteria provided, single submitter. Criteria: Invitae Variant Classification Sherloc (09022015). Collection method: clinical testing. Allele origin: germline.
Comment: This sequence change replaces alanine, which is neutral and non-polar, with valine, which is neutral and non-polar, at codon 907 of the TBCD protein (p.Ala907Val). This variant is present in population databases (rs199509385, gnomAD 0.005%). This variant has not been reported in the literature in individuals affected with TBCD-related conditions. ClinVar contains an entry for this variant (Variation ID: 2380279). Advanced modeling of protein sequence and biophysical properties (such as structural, functional, and spatial information, amino acid conservation, physicochemical variation, residue mobility, and thermodynamic stability) performed at Invitae indicates that this missense variant is not expected to disrupt TBCD protein function with a negative predictive value of 80%. In summary, the available evidence is currently insufficient to determine the role of this variant in disease. Therefore, it has been classified as a Variant of Uncertain Significance.

Ambry Genetics
Classification: Uncertain significance for Inborn genetic diseases. Last evaluated: 2022-12-13. Review status: criteria provided, single submitter. Criteria: Ambry Variant Classification Scheme 2023. Collection method: clinical testing. Allele origin: germline.